The following is an entry in ClinVar:

ClinVar aggregate classification (germline): Uncertain significance (1 of 4 stars; one submission).

Allele frequency attached by ClinVar (database versions not stated): gnomAD exomes below 0.00001.
gnomAD v4.1: 1 of 1,612,284 alleles (0.000062%); highest among the groups gnomAD compares: Non-Finnish European, 0.000085%; no homozygotes.

Submission:

Labcorp Genetics (formerly Invitae), Labcorp
Classification: Uncertain significance. Last evaluated: 2022-07-18. Review status: criteria provided, single submitter. Criteria: Invitae Variant Classification Sherloc (09022015). Collection method: clinical testing. Allele origin: germline.
Comment: This sequence change replaces isoleucine, which is neutral and non-polar, with methionine, which is neutral and non-polar, at codon 129 of the SAR1B protein (p.Ile129Met). This variant is not present in population databases (gnomAD no frequency). This variant has not been reported in the literature in individuals affected with SAR1B-related conditions. Algorithms developed to predict the effect of missense changes on protein structure and function are either unavailable or do not agree on the potential impact of this missense change (SIFT: "Deleterious"; PolyPhen-2: "Possibly Damaging"; Align-GVGD: "Class C0"). In summary, the available evidence is currently insufficient to determine the role of this variant in disease. Therefore, it has been classified as a Variant of Uncertain Significance.

NM_016103.4(SAR1B):c.387A>G (p.Ile129Met)

Gene: SAR1B (secretion associated Ras related GTPase 1B; minus strand). Cytogenetic location: 5q31.1.
Variant type: single nucleotide variant.
Coding change: c.387A>G on transcript NM_016103.4 (MANE Select); coding-DNA position 387, A replaced by G.
Protein change: p.Ile129Met; replaces isoleucine 129 with methionine.
Molecular consequence: missense variant.
Genome position (GRCh38, 1-based): chr5:134,608,465, T>C on the plus strand (A>G on the coding strand, the complement: SAR1B is on the minus strand). VCF-style: chr5-134608465-T-C. GRCh37 (hg19) VCF-style: chr5-133944155-T-C.
Other names: c.387A>G, p.Ile129Met (NM_001033503.3); short protein forms I129M.
Identifiers: ClinVar variation 2184895 (VCV002184895.4), dbSNP rs2484106109, ClinGen allele CA361000213.